The following is an entry in ClinVar:

NM_001267550.2(TTN):c.36899T>C (p.Val12300Ala)

Gene: TTN (titin; minus strand). Cytogenetic location: 2q31.2.
Variant type: single nucleotide variant.
Coding change: c.36899T>C on transcript NM_001267550.2 (MANE Select); coding-DNA position 36899, T replaced by C.
Protein change: p.Val12300Ala; replaces valine 12300 with alanine.
Molecular consequence: missense variant. On other transcripts: intron variant (5).
Genome position (GRCh38, 1-based): chr2:178,662,592, A>G on the plus strand (T>C on the coding strand, the complement: TTN is on the minus strand). VCF-style: chr2-178662592-A-G. GRCh37 (hg19) VCF-style: chr2-179527319-A-G.
Other names: c.13283-20275T>C (NM_003319.4); c.13859-20275T>C (NM_133437.4); c.13658-20275T>C (NM_133432.3); c.31573+374T>C (NM_133378.4); c.34354+374T>C (NM_001256850.1); short protein forms V12300A.
Identifiers: ClinVar variation 2651660 (VCV002651660.25), dbSNP rs1471003260, ClinGen allele CA349492512.

ClinVar aggregate classification (germline): Conflicting classifications of pathogenicity. Review status: criteria provided, conflicting classifications (1 of 4 stars). 2 submissions from 2 submitters: Uncertain significance (1); Likely benign (1). Last evaluated 2026-08-28.

Conditions:
TTN-related disorder. Also called: TTN-related condition; TTN-related disease; TTN-related disorders.

Submissions (2):

PreventionGenetics, part of Exact Sciences
Classification: Uncertain significance for TTN-related condition. Last evaluated: 2026-08-28. Review status: criteria provided, single submitter. Criteria: ACMG Guidelines, 2015. Collection method: clinical testing. Allele origin: germline.
Comment: The TTN c.36899T>C variant is predicted to result in the amino acid substitution p.Val12300Ala. To our knowledge, this variant has not been reported in the literature. This variant is reported in 0.011% of alleles in individuals of Latino descent in gnomAD. At this time, the clinical significance of this variant is uncertain due to the absence of conclusive functional and genetic evidence.

CeGaT Center for Human Genetics Tuebingen
Classification: Likely benign. Last evaluated: 2023-08-01. Review status: criteria provided, single submitter. Criteria: CeGaT Center For Human Genetics Tuebingen Variant Classification Criteria Version 2. Collection method: clinical testing. Allele origin: germline. Affected: yes. Observed: 1 variant allele.
Comment: TTN: BP4